The following is an entry in ClinVar:

ClinVar aggregate classification (germline): Pathogenic (1 of 4 stars; one submission).

Submission:

Labcorp Genetics (formerly Invitae), Labcorp
Classification: Pathogenic. Last evaluated: 2022-03-13. Review status: criteria provided, single submitter. Criteria: Invitae Variant Classification Sherloc (09022015). Collection method: clinical testing. Allele origin: germline.
Comment: For these reasons, this variant has been classified as Pathogenic. This variant disrupts a region of the FH protein in which other variant(s) (p.Trp500*) have been determined to be pathogenic (PMID: 9635293). This suggests that this is a clinically significant region of the protein, and that variants that disrupt it are likely to be disease-causing. This variant has not been reported in the literature in individuals affected with FH-related conditions. This variant is a gross deletion of the genomic region encompassing exon(s) 9 of the FH gene. While this deletion is not anticipated to lead to nonsense mediated decay, it is expected to disrupt the C-terminus of the protein.

Literature cited by the submitters: PubMed 9635293.

NC_000001.10:g.(?_241663727)_(241663900_?)del

Gene: FH (fumarate hydratase; minus strand). Cytogenetic location: 1q43.
Variant type: Deletion.
Identifiers: ClinVar variation 2422459 (VCV002422459.4).